The following is an entry in ClinVar:

ClinVar aggregate classification (germline): Pathogenic (1 of 4 stars; one submission).

Submission:

Labcorp Genetics (formerly Invitae), Labcorp
Classification: Pathogenic. Last evaluated: 2022-09-14. Review status: criteria provided, single submitter. Criteria: Invitae Variant Classification Sherloc (09022015). Collection method: clinical testing. Allele origin: germline.
Comment: For these reasons, this variant has been classified as Pathogenic. This variant has not been reported in the literature in individuals affected with PCDH15-related conditions. This variant is a gross deletion of the genomic region encompassing exon(s) 2-18 of the PCDH15 gene, which includes the initiator codon. This deletion extends beyond the assayed region for this gene and therefore may encompass additional genes. It is expected to result in an absent or disrupted protein product. Loss-of-function variants in PCDH15 are known to be pathogenic (PMID: 11398101, 11487575, 14570705).

Literature cited by the submitters: PubMed 11398101; PubMed 11487575; PubMed 14570705.

NC_000010.10:g.(?_55826507)_(56424032_?)del

Gene: PCDH15 (protocadherin related 15; minus strand). Cytogenetic location: 10q21.1.
Variant type: Deletion.
Identifiers: ClinVar variation 2427101 (VCV002427101.4).